The following is an entry in ClinVar:

NM_000525.4(KCNJ11):c.*92C>T

Gene: KCNJ11 (potassium inwardly rectifying channel subfamily J member 11; minus strand). Cytogenetic location: 11p15.1.
Variant type: single nucleotide variant.
Coding change: c.*92C>T on transcript NM_000525.4 (MANE Select); 92 bases downstream of the stop codon, C replaced by T.
Molecular consequence: 3 prime UTR variant.
Genome position (GRCh38, 1-based): chr11:17,386,827, G>A on the plus strand (C>T on the coding strand, the complement: KCNJ11 is on the minus strand). VCF-style: chr11-17386827-G-A. GRCh37 (hg19) VCF-style: chr11-17408374-G-A.
Other names: c.*92C>T (NM_001166290.2, NM_001377296.1, NM_001377297.1).
Identifiers: ClinVar variation 303729 (VCV000303729.9), dbSNP rs5212, ClinGen allele CA10634191.

ClinVar aggregate classification (germline): Conflicting classifications of pathogenicity. Review status: criteria provided, conflicting classifications (1 of 4 stars). 5 submissions from 3 submitters: Uncertain significance (2); Benign (2); Likely benign (1). Last evaluated 2018-12-12.

Conditions:
Maturity-onset diabetes of the young type 13. Also called: MODY, TYPE 13. Identifiers: Orphanet 552, MedGen C4225365, MONDO:0014589, OMIM 616329.
Maturity-onset diabetes of the young (MODY). Also called: Maturity onset diabetes mellitus in young. Identifiers: Orphanet 552, MedGen C0342276, MONDO:0018911, HP:0004904.
Diabetes mellitus, transient neonatal, 3 (TNDM3). Identifiers: Orphanet 99886, MedGen C1864623, MONDO:0012522, OMIM 610582. Disease mechanism: loss of function.
Hyperinsulinemic hypoglycemia, familial, 2. Also called: HYPERINSULINEMIC HYPOGLYCEMIA, PERSISTENT; HYPERINSULINISM, NEONATAL. Identifiers: Orphanet 276580, Orphanet 276603, MedGen C2931833, MONDO:0011153, OMIM 601820. Disease mechanism: loss of function.

Allele frequency attached by ClinVar (database versions not stated): gnomAD exomes 0.00052; 1000 Genomes Project 30x 0.00359; 1000 Genomes Project 0.00419; gnomAD 0.00585 and 0.00626; TOPMed 0.00653.

Submissions (5):

GeneDx
Classification: Likely benign. Last evaluated: 2018-12-12. Review status: criteria provided, single submitter. Criteria: GeneDx Variant Classification Process June 2021. Collection method: clinical testing. Allele origin: germline. Affected: yes.

Illumina Laboratory Services, Illumina
Classification: Benign for Maturity-onset diabetes of the young type 13. Last evaluated: 2018-01-13. Review status: criteria provided, single submitter. Criteria: ICSL Variant Classification Criteria 13 December 2019. Collection method: clinical testing. Allele origin: germline.
Comment: This variant was observed in the ICSL laboratory as part of a predisposition screen in an ostensibly healthy population. It had not been previously curated by ICSL or reported in the Human Gene Mutation Database (HGMD: prior to June 1st, 2018), and was therefore a candidate for classification through an automated scoring system. Utilizing variant allele frequency, disease prevalence and penetrance estimates, and inheritance mode, an automated score was calculated to assess if this variant is too frequent to cause the disease. Based on the score and internal cut-off values, a variant classified as benign is not then subjected to further curation. The score for this variant resulted in a classification of benign for this disease.

Illumina Laboratory Services, Illumina
Classification: Benign for Diabetes mellitus, transient neonatal, 3. Last evaluated: 2018-01-13. Review status: criteria provided, single submitter. Criteria: ICSL Variant Classification Criteria 13 December 2019. Collection method: clinical testing. Allele origin: germline.
Comment: the same text as in the submission from Illumina Laboratory Services, Illumina above.

Illumina Laboratory Services, Illumina
Classification: Uncertain significance for Hyperinsulinemic hypoglycemia, familial, 2. Last evaluated: 2018-01-13. Review status: criteria provided, single submitter. Criteria: ICSL Variant Classification Criteria 13 December 2019. Collection method: clinical testing. Allele origin: germline.

Clinical Genomics, Uppaluri K&H Personalized Medicine Clinic
Classification: Uncertain significance for Maturity-onset diabetes of the young. Review status: criteria provided, single submitter. Criteria: K & H Uppaluri Personalized Medicine Clinic Variant Classification & Assertion Criteria_Updated V.1. Collection method: research. Allele origin: somatic. Inheritance: Autosomal dominant inheritance.
Comment: Mutations in KCNJ11 gene can cause decreased production and secretion of insulin. This can lead to MODY which may be responsive to oral sulfonylureas. It is also associated with Neonatal Diabetes. However, no sufficient evidence is found to ascertain the role of this particular variant (rs5212) in MODY yet.

Literature cited by the submitters: PubMed 26448950 (cited by Clinical Genomics, Uppaluri K&H Personalized Medicine Clinic); PubMed 15580558 (cited by Clinical Genomics, Uppaluri K&H Personalized Medicine Clinic); PubMed 15718250 (cited by Clinical Genomics, Uppaluri K&H Personalized Medicine Clinic); PubMed 32935446 (cited by Clinical Genomics, Uppaluri K&H Personalized Medicine Clinic); PubMed 22701567 (cited by Clinical Genomics, Uppaluri K&H Personalized Medicine Clinic).